The following is an entry in ClinVar:

NM_002693.3(POLG):c.168_176del (p.55QPQ[1])

Genes: POLG (DNA polymerase gamma, catalytic subunit; minus strand), POLGARF (POLG alternative reading frame; minus strand). Cytogenetic location: 15q26.1.
Variant type: Deletion.
Coding change: c.168_176del on transcript NM_002693.3 (MANE Select); coding-DNA positions 168 to 176, 9 bases deleted (TCAGCAGCC; older notation c.168_176delTCAGCAGCC).
Protein change: p.55QPQ[1].
Molecular consequence: inframe deletion. On other transcripts: inframe indel (1).
Genome position (GRCh38, 1-based): chr15:89,333,579-89,333,587, GGCTGCTGA deleted on the plus strand (TCAGCAGCC on the coding strand, the reverse complement: POLG is on the minus strand); deleting any 9 consecutive bases within chr15:89,333,579-89,333,595 gives the same sequence; the c. name uses the placement nearest the transcript's 3' end. VCF-style (leftmost placement, unchanged base first): chr15-89333578-CGGCTGCTGA-C. GRCh37 (hg19) VCF-style: chr15-89876809-CGGCTGCTGA-C.
Other names: c.223_231del, p.Ser75_Ala77del (NM_001430120.1); c.168_176del, p.55QPQ[1] (NM_001126131.2); c.168_176del9 (NM_002693.2).
Identifiers: ClinVar variation 4993272 (VCV004993272.1).

ClinVar aggregate classification (germline): Uncertain significance (1 of 4 stars; one submission).

Conditions:
POLG-related disorder. Also called: POLG-Related Spectrum Disorders; POLG-related condition; POLG-Related Disorders. Identifiers: MedGen C4763519.

Submission:

PreventionGenetics, part of Exact Sciences
Classification: Uncertain significance for POLG-related condition. Last evaluated: 2025-12-23. Review status: criteria provided, single submitter. Criteria: ACMG Guidelines, 2015. Collection method: clinical testing. Allele origin: germline.
Comment: The POLG c.168_176del9 variant is predicted to result in an in-frame deletion (p.Gln58_Gln60del). To our knowledge, this variant has not been reported in the literature or in a large population database (gnomAD), indicating this variant is rare. At this time, the clinical significance of this variant is uncertain due to the absence of conclusive functional and genetic evidence.